The following is an entry in ClinVar:

ClinVar aggregate classification (germline): Uncertain significance (1 of 4 stars; one submission).

Submission:

ISCA site 4
Classification: Uncertain significance. Last evaluated: 2011-08-12. Review status: criteria provided, single submitter. Criteria: Kaminsky et al. (Genet Med. 2011). Collection method: clinical testing. Allele origin: maternal. Affected: yes. Observed: 1 variant allele.
Comment: Copy number variation identified through the course of routine clinical cytogenomic testing in postnatal populations. Clinical assertions have been curated as described in Kaminsky et al. 2011.

GRCh38/hg38 17p13.2(chr17:3543809-3658724)x3

Genes: CTNS (cystinosin, lysosomal cystine transporter; plus strand), CTNS-AS1 (CTNS antisense RNA 1; minus strand), SHPK (sedoheptulokinase; minus strand), TRPV1 (transient receptor potential cation channel subfamily V member 1; minus strand), TRPV3 (transient receptor potential cation channel subfamily V member 3; minus strand) and 8 more. Cytogenetic location: 17p13.2.
Variant type: copy number gain.
Change: copy number 3 (three copies instead of two) of chr17:3,543,809-3,658,724 (114.9 kb, GRCh38 coordinates, 1-based), cytogenetic band 17p13.2.
Identifiers: ClinVar variation 57150 (VCV000057150.2).